The following is an entry in ClinVar:

NM_004385.5(VCAN):c.8536C>G (p.Pro2846Ala)

Genes: VCAN (versican; plus strand), VCAN-AS1 (VCAN antisense RNA 1; minus strand). Cytogenetic location: 5q14.3.
Variant type: single nucleotide variant.
Coding change: c.8536C>G on transcript NM_004385.5 (MANE Select); coding-DNA position 8536, C replaced by G.
Protein change: p.Pro2846Ala; replaces proline 2846 with alanine.
Molecular consequence: missense variant. On other transcripts: intron variant (2).
Genome position (GRCh38, 1-based): chr5:83,541,539, C>G. VCF-style: chr5-83541539-C-G. GRCh37 (hg19) VCF-style: chr5-82837358-C-G.
Other names: c.5575C>G, p.Pro1859Ala (NM_001164097.2); c.4004-3998C>G (NM_001164098.2); c.1043-3998C>G (NM_001126336.3); short protein forms P1859A, P2846A.
Identifiers: ClinVar variation 2127381 (VCV002127381.4), dbSNP rs1746991229, ClinGen allele CA360293628.

ClinVar aggregate classification (germline): Uncertain significance (1 of 4 stars; one submission).

Allele frequency attached by ClinVar (database versions not stated): TOPMed below 0.00001.

Submission:

Labcorp Genetics (formerly Invitae), Labcorp
Classification: Uncertain significance. Last evaluated: 2022-09-27. Review status: criteria provided, single submitter. Criteria: Invitae Variant Classification Sherloc (09022015). Collection method: clinical testing. Allele origin: germline.
Comment: In summary, the available evidence is currently insufficient to determine the role of this variant in disease. Therefore, it has been classified as a Variant of Uncertain Significance. Algorithms developed to predict the effect of missense changes on protein structure and function output the following: SIFT: "Tolerated"; PolyPhen-2: "Benign"; Align-GVGD: "Class C0". The alanine amino acid residue is found in multiple mammalian species, which suggests that this missense change does not adversely affect protein function. This variant has not been reported in the literature in individuals affected with VCAN-related conditions. This variant is not present in population databases (gnomAD no frequency). This sequence change replaces proline, which is neutral and non-polar, with alanine, which is neutral and non-polar, at codon 2846 of the VCAN protein (p.Pro2846Ala).